The following is an entry in ClinVar:

NM_017637.6(BNC2):c.2311G>A (p.Val771Ile)

Genes: BNC2 (basonuclin zinc finger protein 2; minus strand), LOC126860585 (MED14-independent group 3 enhancer GRCh37_chr9:16435259-16436458; plus strand). Cytogenetic location: 9p22.3.
Variant type: single nucleotide variant.
Coding change: c.2311G>A on transcript NM_017637.6 (MANE Select); coding-DNA position 2311, G replaced by A.
Protein change: p.Val771Ile; replaces valine 771 with isoleucine.
Molecular consequence: missense variant.
Genome position (GRCh38, 1-based): chr9:16,435,883, C>T on the plus strand (G>A on the coding strand, the complement: BNC2 is on the minus strand). VCF-style: chr9-16435883-C-T. GRCh37 (hg19) VCF-style: chr9-16435881-C-T.
Other names: c.2185G>A, p.Val729Ile (NM_001317939.2); c.2026G>A, p.Val676Ile (NM_001317940.2); short protein forms V676I, V771I, V729I.
Identifiers: ClinVar variation 2898568 (VCV002898568.3), dbSNP rs754125807, ClinGen allele CA4995917.

ClinVar aggregate classification (germline): Uncertain significance (1 of 4 stars; one submission).

Allele frequency attached by ClinVar (database versions not stated): ExAC 0.00001; gnomAD 0.00001; gnomAD exomes 0.00001; TOPMed 0.00001.
gnomAD v4.1: 12 of 1,613,686 alleles (0.00074%); highest among the groups gnomAD compares: Admixed American, 0.0017%; no homozygotes.

Submission:

Labcorp Genetics (formerly Invitae), Labcorp
Classification: Uncertain significance. Last evaluated: 2024-11-06. Review status: criteria provided, single submitter. Criteria: Invitae Variant Classification Sherloc (09022015). Collection method: clinical testing. Allele origin: germline.
Comment: This sequence change replaces valine, which is neutral and non-polar, with isoleucine, which is neutral and non-polar, at codon 771 of the BNC2 protein (p.Val771Ile). This variant is present in population databases (rs754125807, gnomAD 0.01%). This variant has not been reported in the literature in individuals affected with BNC2-related conditions. ClinVar contains an entry for this variant (Variation ID: 2898568). An algorithm developed to predict the effect of missense changes on protein structure and function outputs the following: PolyPhen-2: "Benign". The isoleucine amino acid residue is found in multiple mammalian species, which suggests that this missense change does not adversely affect protein function. In summary, the available evidence is currently insufficient to determine the role of this variant in disease. Therefore, it has been classified as a Variant of Uncertain Significance.